The following is an entry in ClinVar:

NM_004656.4(BAP1):c.980G>A (p.Ser327Asn)

Gene: BAP1 (BRCA1 associated deubiquitinase 1; minus strand). Cytogenetic location: 3p21.1.
Variant type: single nucleotide variant.
Coding change: c.980G>A on transcript NM_004656.4 (MANE Select); coding-DNA position 980, G replaced by A.
Protein change: p.Ser327Asn; replaces serine 327 with asparagine.
Molecular consequence: missense variant.
Genome position (GRCh38, 1-based): chr3:52,405,246, C>T on the plus strand (G>A on the coding strand, the complement: BAP1 is on the minus strand). VCF-style: chr3-52405246-C-T. GRCh37 (hg19) VCF-style: chr3-52439262-C-T.
Other names: c.926G>A, p.Ser309Asn (NM_001410772.1); c.980G>A (NM_004656.3); short protein forms S309N, S327N.
Identifiers: ClinVar variation 4827207 (VCV004827207.2).

ClinVar aggregate classification (germline): Conflicting classifications of pathogenicity. Review status: criteria provided, conflicting classifications (1 of 4 stars). 2 submissions from 2 submitters: Uncertain significance (1); Benign (1). Last evaluated 2026-04-22.

Conditions:
Hereditary cancer-predisposing syndrome. Also called: Neoplastic Syndromes, Hereditary; Tumor predisposition; Hereditary neoplastic syndrome; Hereditary Cancer Syndrome. Identifiers: Orphanet 140162, MedGen C0027672, MeSH D009386, MONDO:0015356.

gnomAD v4.1: 2 of 1,614,014 alleles (0.00012%); highest among the groups gnomAD compares: Non-Finnish European, 0.00017%; no homozygotes.

Submissions (2):

GeneDx
Classification: Uncertain significance. Last evaluated: 2026-04-22. Review status: criteria provided, single submitter. Criteria: GeneDx Variant Classification Process June 2021. Collection method: clinical testing. Allele origin: germline.
Comment: Not observed at significant frequency in large population cohorts (gnomAD); In silico analysis suggests that this missense variant does not alter protein structure/function; Has not been previously published as pathogenic or benign to our knowledge

Ambry Genetics
Classification: Benign for Hereditary cancer-predisposing syndrome. Last evaluated: 2026-01-23. Review status: criteria provided, single submitter. Criteria: Ambry Variant Classification Scheme 2023. Collection method: clinical testing. Allele origin: germline.